The following is an entry in ClinVar:

ClinVar aggregate classification (germline): Likely pathogenic (1 of 4 stars; one submission).

Conditions:
Developmental and epileptic encephalopathy, 42 (DEE42A). Also called: DEVELOPMENTAL AND EPILEPTIC ENCEPHALOPATHY 42A; EPILEPTIC ENCEPHALOPATHY, EARLY INFANTILE, 42A; Epileptic encephalopathy, early infantile, 42. Identifiers: MedGen C4310716, MONDO:0014917, OMIM 617106.

Submission:

MGZ Medical Genetics Center
Classification: Likely pathogenic for Developmental and epileptic encephalopathy, 42. Last evaluated: 2022-07-29. Review status: criteria provided, single submitter. Criteria: ACMG Guidelines, 2015. Collection method: clinical testing. Allele origin: germline. Affected: yes. Observed: 1 variant allele.
Comment: ACMG criteria applied: PVS1, PM2_SUP

NM_001127222.2(CACNA1A):c.1282del (p.Ser428fs)

Gene: CACNA1A (calcium voltage-gated channel subunit alpha1 A; minus strand). Cytogenetic location: 19p13.13.
Variant type: Deletion.
Coding change: c.1282del on transcript NM_001127222.2 (MANE Select); coding-DNA position 1282, one base deleted (A; older notation c.1282delA).
Protein change: p.Ser428fs; shifts the reading frame from serine 428.
Molecular consequence: frameshift variant.
Genome position (GRCh38, 1-based): chr19:13,330,307, T deleted on the plus strand (A on the coding strand, the reverse complement: CACNA1A is on the minus strand); the first of 4 consecutive T bases (chr19:13,330,307-13,330,310); deleting any one gives the same sequence. VCF-style (leftmost placement, unchanged base first): chr19-13330306-CT-C. GRCh37 (hg19) VCF-style: chr19-13441120-CT-C.
Other names: c.1285del, p.Ser429fs (NM_000068.4, NM_001127221.2, NM_001174080.2 and 1 more transcripts); short protein forms S428fs, S429fs.
Identifiers: ClinVar variation 1709425 (VCV001709425.2), dbSNP rs2513031267, ClinGen allele CA2580096588.